The following is an entry in ClinVar:

ClinVar aggregate classification (germline): Likely pathogenic (1 of 4 stars; one submission).

Submission:

GeneDx
Classification: Likely pathogenic. Last evaluated: 2020-03-09. Review status: criteria provided, single submitter. Criteria: GeneDx Variant Classification Process June 2021. Collection method: clinical testing. Allele origin: germline. Affected: yes.
Comment: Published functional studies are inconclusive: some studies found no significant conformational changes, while another study showed increased HRS binding and decreased dimerization (Goutebroze 2000, Brault 2001, Scoles 2002, Shimizu 2002); Not observed at a significant frequency in large population cohorts (Lek 2016); In silico analysis supports that this missense variant has a deleterious effect on protein structure/function; This variant is associated with the following publications: (PMID: 31273341, 12011146, 11329377, 10669747, 25931164, 11756419, 31024808, 29599333, 8012353, 11779178, 17470137, 18173316)

NM_000268.4(NF2):c.655G>A (p.Val219Met)

Gene: NF2 (NF2, moesin-ezrin-radixin like (MERLIN) tumor suppressor; plus strand). Cytogenetic location: 22q12.2.
Variant type: single nucleotide variant.
Coding change: c.655G>A on transcript NM_000268.4 (MANE Select); coding-DNA position 655, G replaced by A.
Protein change: p.Val219Met; replaces valine 219 with methionine.
Molecular consequence: missense variant. On other transcripts: non-coding transcript variant (1), intron variant (1).
Genome position (GRCh38, 1-based): chr22:29,658,244, G>A. VCF-style: chr22-29658244-G-A. GRCh37 (hg19) VCF-style: chr22-30054233-G-A.
Other names: c.655G>A, p.Val219Met (NM_016418.5, NM_181825.3, NM_181832.3); c.529G>A, p.Val177Met (NM_181828.3); c.532G>A, p.Val178Met (NM_181829.3); c.406G>A, p.Val136Met (NM_181830.3, NM_181831.3); c.447+15959G>A (NM_181833.3); short protein forms V219M, V136M, V177M, V178M.
Identifiers: ClinVar variation 449829 (VCV000449829.3), dbSNP rs1555994816, ClinGen allele CA411143093.